The following is an entry in ClinVar:

NM_138386.3(NAF1):c.1000C>T (p.Arg334Trp)

Gene: NAF1 (nuclear assembly factor 1 ribonucleoprotein; minus strand). Cytogenetic location: 4q32.2.
Variant type: single nucleotide variant.
Coding change: c.1000C>T on transcript NM_138386.3 (MANE Select); coding-DNA position 1000, C replaced by T.
Protein change: p.Arg334Trp; replaces arginine 334 with tryptophan.
Molecular consequence: missense variant.
Genome position (GRCh38, 1-based): chr4:163,133,187, G>A on the plus strand (C>T on the coding strand, the complement: NAF1 is on the minus strand). VCF-style: chr4-163133187-G-A. GRCh37 (hg19) VCF-style: chr4-164054339-G-A.
Other names: c.1000C>T, p.Arg334Trp (NM_001128931.2); short protein forms R334W.
Identifiers: ClinVar variation 3641034 (VCV003641034.2).

ClinVar aggregate classification (germline): Uncertain significance (1 of 4 stars; one submission).

Submission:

Labcorp Genetics (formerly Invitae), Labcorp
Classification: Uncertain significance. Last evaluated: 2025-10-01. Review status: criteria provided, single submitter. Criteria: Invitae Variant Classification Sherloc (09022015). Collection method: clinical testing. Allele origin: germline.
Comment: This sequence change replaces arginine, which is basic and polar, with tryptophan, which is neutral and slightly polar, at codon 334 of the NAF1 protein (p.Arg334Trp). This variant is present in population databases (rs764535576, gnomAD 0.06%), and has an allele count higher than expected for a pathogenic variant. This variant has not been reported in the literature in individuals affected with NAF1-related conditions. ClinVar contains an entry for this variant (Variation ID: 3641034). An algorithm developed to predict the effect of missense changes on protein structure and function (PolyPhen-2) suggests that this variant is likely to be disruptive. In summary, the available evidence is currently insufficient to determine the role of this variant in disease. Therefore, it has been classified as a Variant of Uncertain Significance.